The following is an entry in ClinVar:

NM_000278.5(PAX2):c.166C>T (p.Arg56Trp)

Gene: PAX2 (paired box 2; plus strand). Cytogenetic location: 10q24.31.
Variant type: single nucleotide variant.
Coding change: c.166C>T on transcript NM_000278.5 (MANE Select); coding-DNA position 166, C replaced by T.
Protein change: p.Arg56Trp; replaces arginine 56 with tryptophan.
Molecular consequence: missense variant.
Genome position (GRCh38, 1-based): chr10:100,749,868, C>T. VCF-style: chr10-100749868-C-T. GRCh37 (hg19) VCF-style: chr10-102509625-C-T.
Other names: c.259C>T, p.Arg87Trp (NM_001304569.2); c.166C>T, p.Arg56Trp (NM_003987.5, NM_003988.5, NM_003989.5 and 1 more transcripts); short protein forms R56W, R87W.
Identifiers: ClinVar variation 2690931 (VCV002690931.2).
Genomic context (GRCh38, chr10:100,749,868, plus strand): 5'-GTGGTGAGGCAGCGCATCGTGGAGCTGGCCCACCAGGGTGTGCGGCCCTGTGACATCTCC[C>T]GGCAGCTGCGGGTCAGCCACGGCTGTGTCAGCAAAATCCTGGGCAGGTGAGGGCTTCGCA-3'
Protein context (NP_000269.3, residues 46-66): HQGVRPCDIS[Arg56Trp]QLRVSHGCVS

ClinVar aggregate classification (germline): Likely pathogenic (0 of 4 stars; one submission).

Conditions:
Focal segmental glomerulosclerosis 7 (FSGS7). Identifiers: Orphanet 656, MedGen C4014925, MONDO:0014451, OMIM 616002.

Submission:

Hainan Provincial Key Laboratory for Human Reproductive Medicine and Genetic Research
Classification: Likely pathogenic for Focal segmental glomerulosclerosis 7. Review status: no assertion criteria provided. Collection method: clinical testing. Allele origin: paternal. Affected: yes.
Comment: Subsequently, Sanger sequencing was employed to validate the mutation detected by WES in additional family members. This mutation affected highly conserved residues and was predicted to disrupt the normal protein structure. Furthermore, the variant co-segregated with the disease phenotypes within the family. The variant was classified as 'likely pathogenic (PM2 + PM5 + PP1 + PP3)' based on the latest ACMG guidelines on sequence variants. The diagnosis of FSGS7 was established, with the identified variant considered causative.